The following is an entry in ClinVar:

ClinVar aggregate classification (germline): Benign/Likely benign. Review status: criteria provided, multiple submitters, no conflicts (2 of 4 stars). 2 submissions from 2 submitters: Benign (1); Likely benign (1). Last evaluated 2024-03-28.

Conditions:
Hereditary cancer-predisposing syndrome. Also called: Hereditary Cancer Syndrome; Neoplastic Syndromes, Hereditary; Tumor predisposition; Hereditary neoplastic syndrome. Identifiers: Orphanet 140162, MedGen C0027672, MeSH D009386, MONDO:0015356.
Familial adenomatous polyposis 1 (FAP1). Also called: FAMILIAL ADENOMATOUS POLYPOSIS 1, ATTENUATED; POLYPOSIS, ADENOMATOUS INTESTINAL. Identifiers: MedGen C2713442, MONDO:0021056, OMIM 175100. Disease mechanism: loss of function.

Submissions (2):

Myriad Genetics, Inc.
Classification: Benign for Familial adenomatous polyposis 1. Last evaluated: 2024-03-28. Review status: criteria provided, single submitter. Criteria: Myriad Autosomal Dominant, Autosomal Recessive and X-Linked Classification Criteria (2023). Collection method: clinical testing. Allele origin: unknown.
Comment: This variant is considered benign. This variant is a silent/synonymous amino acid change and it is not expected to impact splicing.

Ambry Genetics
Classification: Likely benign for Hereditary cancer-predisposing syndrome. Last evaluated: 2021-03-26. Review status: criteria provided, single submitter. Criteria: Ambry Variant Classification Scheme 2023. Collection method: clinical testing. Allele origin: germline.

NM_000038.6(APC):c.4923G>A (p.Val1641=)

Gene: APC (APC regulator of Wnt signaling pathway; plus strand). Cytogenetic location: 5q22.2.
Variant type: single nucleotide variant.
Coding change: c.4923G>A on transcript NM_000038.6 (MANE Select); coding-DNA position 4923, G replaced by A.
Protein change: p.Val1641=; no amino-acid change (valine 1641 retained).
Molecular consequence: synonymous variant. On other transcripts: non-coding transcript variant (2).
Genome position (GRCh38, 1-based): chr5:112,840,517, G>A. VCF-style: chr5-112840517-G-A. GRCh37 (hg19) VCF-style: chr5-112176214-G-A.
Other names: c.4923G>A, p.Val1641= (NM_001127510.3, NM_001354895.2, NM_001407450.1); c.4869G>A, p.Val1623= (NM_001127511.3); c.4977G>A, p.Val1659= (NM_001354896.2, NM_001407447.1, NM_001407448.1 and 1 more transcripts); c.4953G>A, p.Val1651= (NM_001354897.2); c.4848G>A, p.Val1616= (NM_001354898.2); c.4839G>A, p.Val1613= (NM_001354899.2); c.4800G>A, p.Val1600= (NM_001354900.2); c.4746G>A, p.Val1582= (NM_001354901.2, NM_001407453.1); and 11 more.
Identifiers: ClinVar variation 1744143 (VCV001744143.2), dbSNP rs2149927495, ClinGen allele CA446208696.